The following is an entry in ClinVar:

ClinVar aggregate classification (germline): Benign. Review status: criteria provided, multiple submitters, no conflicts (2 of 4 stars). 3 submissions from 3 submitters: Benign (2). 1 of the submissions does not count toward it. Last evaluated 2025-08-29.

Conditions:
EPHA2-related disorder. Also called: EPHA2-related condition.
Cataract 6 multiple types. Also called: CATARACT 6, POSTERIOR POLAR; CATARACT 6, CONGENITAL TOTAL; CATARACT, AGE-RELATED CORTICAL, 2. Identifiers: Orphanet 91492, MedGen C1861825, MONDO:0007288, OMIM 116600.

Allele frequency attached by ClinVar (database versions not stated): gnomAD exomes 0.00074; ExAC 0.00092; ESP Exome Variant Server 0.00269; gnomAD 0.00271 and 0.00292; TOPMed 0.00291; 1000 Genomes Project 30x 0.00297; 1000 Genomes Project 0.00300.
gnomAD v4.1: 830 of 1,614,050 alleles (0.051%); highest among the groups gnomAD compares: African/African-American, 0.97%; 8 homozygotes.

Submissions (3):

Labcorp Genetics (formerly Invitae), Labcorp
Classification: Benign for Cataract 6 multiple types. Last evaluated: 2025-08-29. Review status: criteria provided, single submitter. Criteria: Invitae Variant Classification Sherloc (09022015). Collection method: clinical testing. Allele origin: germline.

CeGaT Center for Human Genetics Tuebingen
Classification: Benign. Last evaluated: 2022-10-01. Review status: criteria provided, single submitter. Criteria: CeGaT Center For Human Genetics Tuebingen Variant Classification Criteria Version 2. Collection method: clinical testing. Allele origin: germline. Affected: yes. Observed: 1 variant allele.
Comment: EPHA2: BS1, BS2

PreventionGenetics, part of Exact Sciences
Classification: Benign for EPHA2-related condition. Last evaluated: 2019-05-08. Review status: no assertion criteria provided. Collection method: clinical testing. Allele origin: germline. Not counted in ClinVar's aggregate classification.
Comment: This variant is classified as benign based on ACMG/AMP sequence variant interpretation guidelines (Richards et al. 2015 PMID: 25741868, with internal and published modifications).

NM_004431.5(EPHA2):c.1486G>A (p.Asp496Asn)

Gene: EPHA2 (EPH receptor A2; minus strand). Cytogenetic location: 1p36.13.
Variant type: single nucleotide variant.
Coding change: c.1486G>A on transcript NM_004431.5 (MANE Select); coding-DNA position 1486, G replaced by A.
Protein change: p.Asp496Asn; replaces aspartic acid 496 with asparagine.
Molecular consequence: missense variant.
Genome position (GRCh38, 1-based): chr1:16,135,132, C>T on the plus strand (G>A on the coding strand, the complement: EPHA2 is on the minus strand). VCF-style: chr1-16135132-C-T. GRCh37 (hg19) VCF-style: chr1-16461627-C-T.
Other names: c.1324G>A, p.Asp442Asn (NM_001329090.2); c.1486G>A (NM_004431.4); short protein forms D496N, D442N.
Identifiers: ClinVar variation 702170 (VCV000702170.40), dbSNP rs115171763, ClinGen allele CA625159.